The following is an entry in ClinVar:

NM_024426.6(WT1):c.1033G>A (p.Glu345Lys)

Gene: WT1 (WT1 transcription factor; minus strand). Cytogenetic location: 11p13.
Variant type: single nucleotide variant.
Coding change: c.1033G>A on transcript NM_024426.6 (MANE Select); coding-DNA position 1033, G replaced by A.
Protein change: p.Glu345Lys; replaces glutamic acid 345 with lysine.
Molecular consequence: missense variant. On other transcripts: 5 prime UTR variant (1), non-coding transcript variant (1).
Genome position (GRCh38, 1-based): chr11:32,400,028, C>T on the plus strand (G>A on the coding strand, the complement: WT1 is on the minus strand). VCF-style: chr11-32400028-C-T. GRCh37 (hg19) VCF-style: chr11-32421574-C-T.
Other names: c.982G>A, p.Glu328Lys (NM_000378.6, NM_001407045.1, NM_001407048.1 and 1 more transcripts); c.382G>A, p.Glu128Lys (NM_001198551.2); c.331G>A, p.Glu111Lys (NM_001198552.2); c.-156G>A (NM_001367854.1); c.1027G>A, p.Glu343Lys (NM_001407044.1); c.1033G>A, p.Glu345Lys (NM_001407046.1, NM_024424.5); c.910G>A, p.Glu304Lys (NM_001407047.1); c.859G>A, p.Glu287Lys (NM_001407050.1); and 2 more; short protein forms E128K, E328K, E111K, E345K, E323K, E340K, E343K, E287K.
Identifiers: ClinVar variation 840721 (VCV000840721.13), dbSNP rs547783372, ClinGen allele CA064056.

ClinVar aggregate classification (germline): Uncertain significance. Review status: criteria provided, multiple submitters, no conflicts (2 of 4 stars). 3 submissions from 3 submitters: Uncertain significance (3). Last evaluated 2025-06-08.

Conditions:
Drash syndrome (DDS). Also called: WILMS TUMOR AND PSEUDO- OR TRUE HERMAPHRODITISM; NEPHROPATHY, WILMS TUMOR, AND GENITAL ANOMALIES. Identifiers: Orphanet 220, MedGen C0950121, MONDO:0008682, OMIM 194080.
Frasier syndrome. Identifiers: Orphanet 347, MedGen C0950122, MeSH D052159, MONDO:0007635, OMIM 136680.
Wilms tumor 1 (WT1). Also called: Wilms tumor, somatic. Identifiers: Orphanet 654, MedGen CN033288, MONDO:0008679, OMIM 194070.
11p partial monosomy syndrome (WAGR). Also called: WAGR Complex; CHROMOSOME 11p13 DELETION SYNDROME; WAGR syndrome; WAGR Spectrum Disorder. Identifiers: Orphanet 893, MedGen C0206115, MONDO:0008681, OMIM 194072.
Inborn genetic diseases. Identifiers: MedGen C0950123, MeSH D030342.

Allele frequency attached by ClinVar (database versions not stated): TOPMed below 0.00001; gnomAD 0.00001; gnomAD exomes 0.00001; ExAC 0.00002; 1000 Genomes Project 30x 0.00016; 1000 Genomes Project 0.00020.
gnomAD v4.1: 21 of 1,614,192 alleles (0.0013%); highest among the groups gnomAD compares: Non-Finnish European, 0.0017%; no homozygotes.

Submissions (3):

Labcorp Genetics (formerly Invitae), Labcorp
Classification: Uncertain significance for Wilms tumor 1; Drash syndrome; 11p partial monosomy syndrome; Frasier syndrome. Last evaluated: 2025-06-08. Review status: criteria provided, single submitter. Criteria: Invitae Variant Classification Sherloc (09022015). Collection method: clinical testing. Allele origin: germline.
Comment: This sequence change replaces glutamic acid, which is acidic and polar, with lysine, which is basic and polar, at codon 340 of the WT1 protein (p.Glu340Lys). This variant is present in population databases (rs547783372, gnomAD 0.007%). This variant has not been reported in the literature in individuals affected with WT1-related conditions. ClinVar contains an entry for this variant (Variation ID: 840721). Invitae Evidence Modeling of protein sequence and biophysical properties (such as structural, functional, and spatial information, amino acid conservation, physicochemical variation, residue mobility, and thermodynamic stability) has been performed for this missense variant. However, the output from this modeling did not meet the statistical confidence thresholds required to predict the impact of this variant on WT1 protein function. In summary, the available evidence is currently insufficient to determine the role of this variant in disease. Therefore, it has been classified as a Variant of Uncertain Significance.

Ambry Genetics
Classification: Uncertain significance for Inborn genetic diseases. Last evaluated: 2025-01-02. Review status: criteria provided, single submitter. Criteria: Ambry Variant Classification Scheme 2023. Collection method: clinical testing. Allele origin: germline.
Comment: The p.E340K variant (also known as c.1018G>A), located in coding exon 6 of the WT1 gene, results from a G to A substitution at nucleotide position 1018. The glutamic acid at codon 340 is replaced by lysine, an amino acid with similar properties. This amino acid position is well conserved in available vertebrate species. In addition, the in silico prediction for this alteration is inconclusive. Based on the available evidence, the clinical significance of this variant remains unclear.

Color Diagnostics, LLC DBA Color Health
Classification: Uncertain significance for Wilms tumor 1. Last evaluated: 2023-09-29. Review status: criteria provided, single submitter. Criteria: ACMG Guidelines, 2015. Collection method: clinical testing. Allele origin: germline.
Comment: This missense variant replaces glutamic acid with lysine at codon 340 of the WT1 protein. Computational prediction is inconclusive regarding the impact of this variant on protein structure and function. To our knowledge, functional studies have not been reported for this variant. This variant has not been reported in individuals affected with WT1-related disorders in the literature. This variant has been identified in 3/251386 chromosomes in the general population by the Genome Aggregation Database (gnomAD). The available evidence is insufficient to determine the role of this variant in disease conclusively. Therefore, this variant is classified as a Variant of Uncertain Significance.